The following is an entry in ClinVar:

ClinVar aggregate classification (germline): Uncertain significance (1 of 4 stars; one submission).

Conditions:
Familial cancer of breast. Also called: Hereditary breast cancer; BREAST CANCER, FAMILIAL; hereditary breast carcinoma. Identifiers: Orphanet 227535, MedGen C0346153, MONDO:0016419, OMIM 114480. Disease mechanism: loss of function.

Submission:

Labcorp Genetics (formerly Invitae), Labcorp
Classification: Uncertain significance for Familial cancer of breast. Last evaluated: 2024-11-16. Review status: criteria provided, single submitter. Criteria: Invitae Variant Classification Sherloc (09022015). Collection method: clinical testing. Allele origin: germline.
Comment: This sequence change replaces lysine, which is basic and polar, with threonine, which is neutral and polar, at codon 135 of the CHEK2 protein (p.Lys135Thr). This variant is not present in population databases (gnomAD no frequency). This variant has not been reported in the literature in individuals affected with CHEK2-related conditions. An algorithm developed to predict the effect of missense changes on protein structure and function (PolyPhen-2) suggests that this variant is likely to be tolerated. In summary, the available evidence is currently insufficient to determine the role of this variant in disease. Therefore, it has been classified as a Variant of Uncertain Significance.

NM_007194.4(CHEK2):c.404A>C (p.Lys135Thr)

Gene: CHEK2 (checkpoint kinase 2; minus strand). Cytogenetic location: 22q12.1.
Variant type: single nucleotide variant.
Coding change: c.404A>C on transcript NM_007194.4 (MANE Select); coding-DNA position 404, A replaced by C.
Protein change: p.Lys135Thr; replaces lysine 135 with threonine.
Molecular consequence: missense variant.
Genome position (GRCh38, 1-based): chr22:28,725,283, T>G on the plus strand (A>C on the coding strand, the complement: CHEK2 is on the minus strand). VCF-style: chr22-28725283-T-G. GRCh37 (hg19) VCF-style: chr22-29121271-T-G.
Other names: c.533A>C, p.Lys178Thr (NM_001005735.3); c.-374A>C (NM_001257387.3); c.404A>C, p.Lys135Thr (NM_001349956.3, NM_145862.3); short protein forms K178T, K135T.
Identifiers: ClinVar variation 3725344 (VCV003725344.2).
Genomic context (GRCh38, chr22:28,725,283, plus strand): 5'-CATGGGTATTCATTACCTACCCTGAAAATCCGAAAGTGTTTCTTGCTGTATGTTCGGTAT[T>G]TATCTGTTCTTTTCAGCAGTGGTTCATCAAAGCAATATTCACAGCTTTTGTCCCTCCCAA-3'
Protein context (NP_009125.1, residues 125-145): FDEPLLKRTD[Lys135Thr]YRTYSKKHFR